The following is an entry in ClinVar:

ClinVar aggregate classification (germline): Pathogenic (1 of 4 stars; one submission).

Submission:

Quest Diagnostics Nichols Institute San Juan Capistrano
Classification: Pathogenic. Last evaluated: 2024-02-28. Review status: criteria provided, single submitter. Criteria: ACMG/ClinGen CNV Guidelines, 2019. Collection method: clinical testing. Allele origin: unknown.
Comment: This loss involves gene ACVRL1 (OMIM 601284), haploinsufficiency of which is associated with autosomal dominant hereditary hemorrhagic telangiectasia type 2 (HHT2; OMIM 600376; CCID:006618; McDonald 2021, Poisson 2019, Shoukier 2008). There are no similar copy number losses of this region in the general populations of the Database of Genomic Variants. Therefore, this copy number variant (CNV) is classified as pathogenic. References: McDonald et al., GeneReviews [2021 Nov 24]. PMID: 20301525; Poisson et al., Eur J Med Genet. 2019 Nov;62(11):103565. PMID: 30389587; Shoukier et al., Clin Genet. 2008 Apr;73(4):320-30. PMID: 18312453

GRCh37/hg19 12q13.13(chr12:52027425-52317075)x1

Genes: ACVRL1 (activin A receptor like type 1; plus strand), ANKRD33 (ankyrin repeat domain 33; plus strand), FIGNL2 (fidgetin like 2; minus strand), SCN8A (sodium voltage-gated channel alpha subunit 8; plus strand). Cytogenetic location: 12q13.13.
Variant type: copy number loss.
Change: copy number 1 (one copy instead of two) of chr12:52,027,425-52,317,075 (289.7 kb, GRCh37 coordinates, 1-based), cytogenetic band 12q13.13.
Identifiers: ClinVar variation 3391918 (VCV003391918.1).